The following is an entry in ClinVar:

NM_001267550.2(TTN):c.11672C>T (p.Thr3891Ile)

Gene: TTN (titin; minus strand). Cytogenetic location: 2q31.2.
Variant type: single nucleotide variant.
Coding change: c.11672C>T on transcript NM_001267550.2 (MANE Select); coding-DNA position 11672, C replaced by T.
Protein change: p.Thr3891Ile; replaces threonine 3891 with isoleucine.
Molecular consequence: missense variant. On other transcripts: intron variant (1).
Genome position (GRCh38, 1-based): chr2:178,741,561, G>A on the plus strand (C>T on the coding strand, the complement: TTN is on the minus strand). VCF-style: chr2-178741561-G-A. GRCh37 (hg19) VCF-style: chr2-179606288-G-A.
Other names: p.T3574I:ACA>ATA; p.Thr3574Ile; c.10721C>T, p.Thr3574Ile (NM_001256850.1); c.10958C>T, p.Thr3653Ile (NM_133432.3); c.10583C>T, p.Thr3528Ile (NM_003319.4); c.11159C>T, p.Thr3720Ile (NM_133437.4); c.10361-3201C>T (NM_133378.4); short protein forms T3891I, T3653I, T3574I, T3528I, T3720I.
Identifiers: ClinVar variation 47811 (VCV000047811.72), dbSNP rs148164929, ClinGen allele CA141953.
Genomic context (GRCh38, chr2:178,741,561, plus strand): 5'-GAATTAATTTTTAGATAGGCACTACATATTGTCTTTCCATAGTCATTACTGGCCATACAT[G>A]TATACTCTCCCTCATCCTCCAATTTGGTGAACAGAATGATCAGGCTATGATCATCACCGT-3'
Protein context (NP_001254479.2, residues 3881-3901): FTKLEDEGEY[Thr3891Ile]CMASNDYGKT

ClinVar aggregate classification (germline): Conflicting classifications of pathogenicity. Review status: criteria provided, conflicting classifications (1 of 4 stars). 14 submissions from 14 submitters: Uncertain significance (2); Benign (1); Likely benign (7). 4 of the submissions do not count toward it. Last evaluated 2026-06-01.

Conditions:
TTN-related disorder. Also called: TTN-related disorders; TTN-related condition; TTN-related disease.
Cardiovascular phenotype. Identifiers: MedGen CN230736.
Autosomal recessive limb-girdle muscular dystrophy type 2J (LGMDR10). Also called: MUSCULAR DYSTROPHY, LIMB-GIRDLE, AUTOSOMAL RECESSIVE 10; Limb-girdle muscular dystrophy, type 2J. Identifiers: Orphanet 140922, MedGen C1837342, MONDO:0012127, OMIM 608807.
Dilated cardiomyopathy 1G (CMD1G). Identifiers: Orphanet 154, MedGen C1858763, MONDO:0011400, OMIM 604145.
Cardiomyopathy (CMYO). Also called: Cardiomyopathies. Identifiers: Orphanet 167848, MedGen C0878544, MONDO:0004994, HP:0001638. Inheritance: Various modes of inheritance.

Allele frequency attached by ClinVar (database versions not stated): ExAC 0.00041; gnomAD exomes 0.00047; ESP Exome Variant Server 0.00067; gnomAD 0.00085 and 0.00092; TOPMed 0.00113; 1000 Genomes Project 0.00120; 1000 Genomes Project 30x 0.00141.
gnomAD v4.1: 470 of 1,613,798 alleles (0.029%); highest among the groups gnomAD compares: African/African-American, 0.19%; no homozygotes.

Submissions (14):

CeGaT Center for Human Genetics Tuebingen
Classification: Likely benign. Last evaluated: 2026-06-01. Review status: criteria provided, single submitter. Criteria: CeGaT Center For Human Genetics Tuebingen Variant Classification Criteria Version 2. Collection method: clinical testing. Allele origin: germline. Affected: yes. Observed: 16 variant alleles.
Comment: TTN: BP4

Labcorp Genetics (formerly Invitae), Labcorp
Classification: Likely benign for Dilated cardiomyopathy 1G; Autosomal recessive limb-girdle muscular dystrophy type 2J. Last evaluated: 2026-02-03. Review status: criteria provided, single submitter. Criteria: Invitae Variant Classification Sherloc (09022015). Collection method: clinical testing. Allele origin: germline.

Mayo Clinic Laboratories, Mayo Clinic
Classification: Likely benign. Last evaluated: 2025-05-02. Review status: criteria provided, single submitter. Criteria: ACMG Guidelines, 2015. Collection method: clinical testing. Allele origin: germline. Observed: 3 variant alleles.

Molecular Diagnostic Laboratory for Inherited Cardiovascular Disease, Montreal Heart Institute
Classification: Likely benign. Last evaluated: 2025-04-09. Review status: criteria provided, single submitter. Criteria: ACMG Guidelines, 2015. Collection method: clinical testing. Allele origin: germline. Affected: no.

Blueprint Genetics
Classification: Likely benign. Last evaluated: 2024-11-01. Review status: criteria provided, single submitter. Criteria: ACMG Guidelines, 2015. Collection method: clinical testing. Allele origin: germline.

Eurofins Ntd Llc (ga)
Classification: Uncertain significance. Last evaluated: 2018-09-12. Review status: criteria provided, single submitter. Criteria: EGL ClinVar v180209 classification definitions. Collection method: clinical testing. Allele origin: germline. Observed: 12 variant alleles, 12 heterozygotes.

Ambry Genetics
Classification: Likely benign for Cardiovascular phenotype. Last evaluated: 2018-08-01. Review status: criteria provided, single submitter. Criteria: Ambry Variant Classification Scheme 2023. Collection method: clinical testing. Allele origin: germline.

GeneDx
Classification: Likely benign. Last evaluated: 2018-02-01. Review status: criteria provided, single submitter. Criteria: GeneDx Variant Classification (06012015). Collection method: clinical testing. Allele origin: germline. Affected: yes.
Comment: This variant is considered likely benign or benign based on one or more of the following criteria: it is a conservative change, it occurs at a poorly conserved position in the protein, it is predicted to be benign by multiple in silico algorithms, and/or has population frequency not consistent with disease.

CHEO Genetics Diagnostic Laboratory, Children's Hospital of Eastern Ontario
Classification: Benign for Cardiomyopathy. Last evaluated: 2018-01-02. Review status: criteria provided, single submitter. Criteria: ACMG Guidelines, 2015. Collection method: clinical testing. Allele origin: germline.

Laboratory for Molecular Medicine, Mass General Brigham Personalized Medicine
Classification: Uncertain significance. Last evaluated: 2015-04-18. Review status: criteria provided, single submitter. Criteria: LMM Criteria. Collection method: clinical testing. Allele origin: germline. Observed: 3 variant alleles.
Comment: Variant classified as Uncertain Significance - Favor Benign. This variant has also been identified in 0.16% (16/9802) of African chromosomes by the Exome Aggregation Consortium (ExAC; dbSNP rs148164929). Computational prediction tools a nd conservation analysis suggest that this variant may not impact the protein, t hough this information is not predictive enough to rule out pathogenicity. In su mmary, while the clinical significance of the p.Thr3653Ile variant is uncertain, its frequency suggests that it is more likely to be benign.

PreventionGenetics, part of Exact Sciences
Classification: Likely benign for TTN-related condition. Last evaluated: 2021-04-29. Review status: no assertion criteria provided. Collection method: clinical testing. Allele origin: germline. Not counted in ClinVar's aggregate classification.
Comment: This variant is classified as likely benign based on ACMG/AMP sequence variant interpretation guidelines (Richards et al. 2015 PMID: 25741868, with internal and published modifications).

Clinical Genetics DNA and cytogenetics Diagnostics Lab, Erasmus MC, Erasmus Medical Center
Classification: Likely benign. Review status: no assertion criteria provided. Collection method: clinical testing. Allele origin: germline. Affected: yes. Study: VKGL Data-share Consensus. Not counted in ClinVar's aggregate classification.

Clinical Genetics, Academic Medical Center
Classification: Benign. Review status: no assertion criteria provided. Collection method: clinical testing. Allele origin: germline. Affected: yes. Study: VKGL Data-share Consensus. Not counted in ClinVar's aggregate classification.

Joint Genome Diagnostic Labs from Nijmegen and Maastricht, Radboudumc and MUMC+
Classification: Likely benign. Review status: no assertion criteria provided. Collection method: clinical testing. Allele origin: germline. Affected: yes. Study: VKGL Data-share Consensus. Not counted in ClinVar's aggregate classification.